The following is an entry in ClinVar:

ClinVar aggregate classification (germline): Benign. Review status: criteria provided, multiple submitters, no conflicts (2 of 4 stars). 3 submissions from 3 submitters: Benign (2). 1 of the submissions does not count toward it. Last evaluated 2019-12-31.

Conditions:
NOS1-related disorder. Also called: NOS1-related condition.

Allele frequency attached by ClinVar (database versions not stated): 1000 Genomes Project 30x 0.00297; 1000 Genomes Project 0.00300; ExAC 0.00662; gnomAD exomes 0.00664 and 0.01151; TOPMed 0.00667; gnomAD 0.00728 and 0.00739; ESP Exome Variant Server 0.01008.
gnomAD v4.1: 17,878 of 1,612,798 alleles (1.1%); highest among the groups gnomAD compares: Non-Finnish European, 1.4%; 151 homozygotes.

Submissions (3):

Labcorp Genetics (formerly Invitae), Labcorp
Classification: Benign. Last evaluated: 2019-12-31. Review status: criteria provided, single submitter. Criteria: Invitae Variant Classification Sherloc (09022015). Collection method: clinical testing. Allele origin: germline.

Breakthrough Genomics
Classification: Benign. Review status: criteria provided, single submitter. Criteria: ACMG Guidelines, 2015. Collection method: not provided. Allele origin: germline. Inheritance: Unknown mechanism. Affected: yes.

PreventionGenetics, part of Exact Sciences
Classification: Benign for NOS1-related condition. Last evaluated: 2019-02-19. Review status: no assertion criteria provided. Collection method: clinical testing. Allele origin: germline. Not counted in ClinVar's aggregate classification.
Comment: This variant is classified as benign based on ACMG/AMP sequence variant interpretation guidelines (Richards et al. 2015 PMID: 25741868, with internal and published modifications).

NM_000620.5(NOS1):c.3522G>A (p.Leu1174=)

Gene: NOS1 (nitric oxide synthase 1; minus strand). Cytogenetic location: 12q24.22.
Variant type: single nucleotide variant.
Coding change: c.3522G>A on transcript NM_000620.5 (MANE Select); coding-DNA position 3522, G replaced by A.
Protein change: p.Leu1174=; no amino-acid change (leucine 1174 retained).
Molecular consequence: synonymous variant.
Genome position (GRCh38, 1-based): chr12:117,227,525, C>T on the plus strand (G>A on the coding strand, the complement: NOS1 is on the minus strand). VCF-style: chr12-117227525-C-T. GRCh37 (hg19) VCF-style: chr12-117665330-C-T.
Other names: c.2514G>A, p.Leu838= (NM_001204213.2, NM_001204214.2); c.3624G>A, p.Leu1208= (NM_001204218.2); c.3624G>A (NM_001204218.1).
Identifiers: ClinVar variation 774486 (VCV000774486.7), dbSNP rs34375182, ClinGen allele CA6814486.
Genomic context (GRCh38, chr12:117,227,525, plus strand): 5'-GTGCACTTCATCAGGGTACATGTCTGGGGAGGAGCTGATGGAATAGTAGCGGGGCTGCAG[C>T]AGGGACAGCTGGGTCAGGAGCAGGGTGGCCGGCATCTGGATAGATGGGAACTCCTCCAGC-3'
Protein context (NP_000611.1, residues 1164-1184): PATLLLTQLS[Leu1174=]LQPRYYSISS